The following is an entry in ClinVar:

NM_003227.4(TFR2):c.2135G>A (p.Arg712Gln)

Genes: TFR2 (transferrin receptor 2; minus strand), LOC113687175 (Sharpr-MPRA regulatory region 4647; plus strand). Cytogenetic location: 7q22.1.
Variant type: single nucleotide variant.
Coding change: c.2135G>A on transcript NM_003227.4 (MANE Select); coding-DNA position 2135, G replaced by A.
Protein change: p.Arg712Gln; replaces arginine 712 with glutamine.
Molecular consequence: missense variant.
Genome position (GRCh38, 1-based): chr7:100,626,764, C>T on the plus strand (G>A on the coding strand, the complement: TFR2 is on the minus strand). VCF-style: chr7-100626764-C-T. GRCh37 (hg19) VCF-style: chr7-100224387-C-T.
Other names: c.1622G>A, p.Arg541Gln (NM_001206855.3); short protein forms R541Q, R712Q.
Identifiers: ClinVar variation 910743 (VCV000910743.19), dbSNP rs201556221, ClinGen allele CA4386210.

ClinVar aggregate classification (germline): Conflicting classifications of pathogenicity. Review status: criteria provided, conflicting classifications (1 of 4 stars). 9 submissions from 9 submitters: Uncertain significance (5); Likely benign (1). 3 of the submissions do not count toward it. Last evaluated 2026-01-05.

Conditions:
TFR2-related disorder. Also called: TFR2-related condition.
Hereditary hemochromatosis (HFE). Identifiers: MedGen C0392514, MONDO:0006507. Disease mechanism: loss of function.
Inborn genetic diseases. Identifiers: MedGen C0950123, MeSH D030342.
Hemochromatosis type 3 (HFE3). Also called: Hereditary hemochromatosis type 3; HEMOCHROMATOSIS DUE TO DEFECT IN TRANSFERRIN RECEPTOR 2; TFR2-Related Hemochromatosis. Identifiers: Orphanet 225123, MedGen C1858664, MONDO:0011417, OMIM 604250.

Allele frequency attached by ClinVar (database versions not stated): ESP Exome Variant Server 0.00018; ExAC 0.00022; gnomAD exomes 0.00035; TOPMed 0.00054.
gnomAD v4.1: 1,055 of 1,544,008 alleles (0.068%); highest among the groups gnomAD compares: Non-Finnish European, 0.08%; 1 homozygote.

Submissions (9):

Labcorp Genetics (formerly Invitae), Labcorp
Classification: Likely benign for Hereditary hemochromatosis. Last evaluated: 2026-01-05. Review status: criteria provided, single submitter. Criteria: Invitae Variant Classification Sherloc (09022015). Collection method: clinical testing. Allele origin: germline.

PreventionGenetics, part of Exact Sciences
Classification: Uncertain significance for TFR2-related condition. Last evaluated: 2025-04-03. Review status: criteria provided, single submitter. Criteria: ACMG Guidelines, 2015. Collection method: clinical testing. Allele origin: germline.
Comment: The TFR2 c.2135G>A variant is predicted to result in the amino acid substitution p.Arg712Gln. To our knowledge, this variant has not been reported in the literature. This variant is reported in 0.11% of alleles in individuals of European (Finnish) descent in gnomAD, which may be too frequent to be a primary cause of disease. Although we suspect that this variant may be benign, at this time, the clinical significance of this variant is uncertain due to the absence of conclusive functional and genetic evidence.

Ambry Genetics
Classification: Uncertain significance for Inborn genetic diseases. Last evaluated: 2021-07-09. Review status: criteria provided, single submitter. Criteria: Ambry Variant Classification Scheme 2023. Collection method: clinical testing. Allele origin: germline.

Fulgent Genetics
Classification: Uncertain significance for Hemochromatosis type 3. Last evaluated: 2021-07-06. Review status: criteria provided, single submitter. Criteria: ACMG Guidelines, 2015. Collection method: clinical testing. Allele origin: unknown.

Revvity Omics, Revvity
Classification: Uncertain significance for Hemochromatosis type 3. Last evaluated: 2019-04-12. Review status: criteria provided, single submitter. Criteria: ACMG Guidelines, 2015. Collection method: clinical testing. Allele origin: germline.

Illumina Laboratory Services, Illumina
Classification: Uncertain significance for Hemochromatosis type 3. Last evaluated: 2018-01-12. Review status: criteria provided, single submitter. Criteria: ICSL Variant Classification Criteria 13 December 2019. Collection method: clinical testing. Allele origin: germline.

Natera, Inc.
Classification: Uncertain significance for Hereditary hemochromatosis type 3. Last evaluated: 2019-11-13. Review status: no assertion criteria provided. Collection method: clinical testing. Allele origin: germline. Not counted in ClinVar's aggregate classification.

Clinical Genetics DNA and cytogenetics Diagnostics Lab, Erasmus MC, Erasmus Medical Center
Classification: Uncertain significance. Review status: no assertion criteria provided. Collection method: clinical testing. Allele origin: germline. Affected: yes. Study: VKGL Data-share Consensus. Not counted in ClinVar's aggregate classification.

Joint Genome Diagnostic Labs from Nijmegen and Maastricht, Radboudumc and MUMC+
Classification: Uncertain significance. Review status: no assertion criteria provided. Collection method: clinical testing. Allele origin: germline. Affected: yes. Study: VKGL Data-share Consensus. Not counted in ClinVar's aggregate classification.